The following is an entry in ClinVar:

GRCh37/hg19 5p14.1-12(chr5:27227243-45685844)x3

Genes: ADAMTS12 (ADAM metallopeptidase with thrombospondin type 1 motif 12; minus strand), AGXT2 (alanine--glyoxylate aminotransferase 2; minus strand), AMACR (alpha-methylacyl-CoA racemase; minus strand), ANXA2R (annexin A2 receptor; minus strand), BRIX1 (biogenesis of ribosomes BRX1; plus strand) and 68 more. Cytogenetic location: 5p14.1-12.
Variant type: copy number gain.
Change: copy number 3 (three copies instead of two) of chr5:27,227,243-45,685,844 (18.46 Mb, GRCh37 coordinates, 1-based), cytogenetic band 5p14.1-12.
Identifiers: ClinVar variation 563053 (VCV000563053.2).

ClinVar aggregate classification (germline): Pathogenic (1 of 4 stars; one submission).

Submission:

Quest Diagnostics Nichols Institute San Juan Capistrano
Classification: Pathogenic. Last evaluated: 2023-05-23. Review status: criteria provided, single submitter. Criteria: ACMG/ClinGen CNV Guidelines, 2019. Collection method: clinical testing. Allele origin: unknown.
Comment: Gains of this region are associated with 5p13 duplication syndrome region (OMIM 613174; Novara et al., Eur J Med Genet. 2013 Jan;56(1):54-8., PMID: 23085304, Camerota et al., Cytogenet Genome Res. 2017;153(1):22-28., PMID: 29141250). This is a contiguous gene duplication syndrome involving several genes of the critical chromosome 5p13 region, including NIPBL. Therefore, based on gene content and medical literature, this copy number variant is classified as pathogenic.